The following is an entry in ClinVar:

ClinVar aggregate classification (germline): Likely pathogenic (1 of 4 stars; one submission).

Submission:

Labcorp Genetics (formerly Invitae), Labcorp
Classification: Likely pathogenic. Last evaluated: 2022-11-29. Review status: criteria provided, single submitter. Criteria: Invitae Variant Classification Sherloc (09022015). Collection method: clinical testing. Allele origin: germline.
Comment: In summary, the currently available evidence indicates that the variant is pathogenic, but additional data are needed to prove that conclusively. Therefore, this variant has been classified as Likely Pathogenic. This variant disrupts the p.His600 amino acid residue in ZBTB20. Other variant(s) that disrupt this residue have been determined to be pathogenic (PMID: 30256248, 32266967). This suggests that this residue is clinically significant, and that variants that disrupt this residue are likely to be disease-causing. Advanced modeling of protein sequence and biophysical properties (such as structural, functional, and spatial information, amino acid conservation, physicochemical variation, residue mobility, and thermodynamic stability) performed at Invitae indicates that this missense variant is expected to disrupt ZBTB20 protein function. This sequence change replaces histidine, which is basic and polar, with arginine, which is basic and polar, at codon 600 of the ZBTB20 protein (p.His600Arg). This variant has not been reported in the literature in individuals affected with ZBTB20-related conditions. This variant is not present in population databases (gnomAD no frequency).

Literature cited by the submitters: PubMed 30256248; PubMed 32266967.

NM_001348800.3(ZBTB20):c.1799A>G (p.His600Arg)

Gene: ZBTB20 (zinc finger and BTB domain containing 20; minus strand). Cytogenetic location: 3q13.31.
Variant type: single nucleotide variant.
Coding change: c.1799A>G on transcript NM_001348800.3 (MANE Select); coding-DNA position 1799, A replaced by G.
Protein change: p.His600Arg; replaces histidine 600 with arginine.
Molecular consequence: missense variant.
Genome position (GRCh38, 1-based): chr3:114,350,279, T>C on the plus strand (A>G on the coding strand, the complement: ZBTB20 is on the minus strand). VCF-style: chr3-114350279-T-C. GRCh37 (hg19) VCF-style: chr3-114069126-T-C.
Other names: c.1799A>G, p.His600Arg (NM_001164342.2, NM_001348803.3, NM_001393393.1 and 1 more transcripts); c.1580A>G, p.His527Arg (NM_001164343.2, NM_001164344.4, NM_001164345.4 and 9 more transcripts); short protein forms H527R, H600R.
Identifiers: ClinVar variation 2091537 (VCV002091537.4), dbSNP rs2550499110, ClinGen allele CA354005538.
Genomic context (GRCh38, chr3:114,350,279, plus strand): 5'-TTCCCACAGCCCCCTCAGCCCCTGCTGCCAGGCCTCCAGGTGGGGTGACACTCACCTGTG[T>C]GTACGAACATGTGCTTGACGTAGTTCTGTTTGGCGGTGAAAGTCTTGTTGCAGAGAGTGC-3'
Protein context (NP_001335729.1, residues 590-610): KQNYVKHMFV[His600Arg]TGEKPHQCSI